The following is an entry in ClinVar:

ClinVar aggregate classification (germline): Likely pathogenic (1 of 4 stars; one submission).

Conditions:
CHD8-associated Neurodevelopmental syndrome.

Submission:

New York Genome Center
Classification: Likely pathogenic for CHD8-associated Neurodevelopmental syndrome. Last evaluated: 2021-07-16. Review status: criteria provided, single submitter. Criteria: NYGC Assertion Criteria 2020. Collection method: clinical testing. Allele origin: de novo. Observed: 1 heterozygote. Study: CSER-NYCKidSeq.
Comment: The de novo c.1720del (p.Arg574AspfsTer18) variant identified in the CHD8 gene is the deletion of a single nucleotide, resulting in the frameshift of the protein at amino acid 574/2582 (exon 6/38). This is predicted to lead to the premature termination of the protein approximately 18 amino acids downstream. This variant is absent from gnomAD(v3.1.1) suggesting it is not a common benign variant in the populations represented in that database. This variant is absent from ClinVar and to our current knowledge has not been reported in affected individuals in the literature, although many nonsense and frameshift variants have been reported downstream [PMID:31721432, 31980904, others]. The de novo c.1720del (p.Arg574AspfsTer18) variant identified in the CHD8 gene is reported as Likely Pathogenic.

NM_001170629.2(CHD8):c.1720del (p.Arg574fs)

Gene: CHD8 (chromodomain helicase DNA binding protein 8; minus strand). Cytogenetic location: 14q11.2.
Variant type: Deletion.
Coding change: c.1720del on transcript NM_001170629.2 (MANE Select); coding-DNA position 1720, one base deleted (A; older notation c.1720delA).
Protein change: p.Arg574fs; shifts the reading frame from arginine 574.
Molecular consequence: frameshift variant.
Genome position (GRCh38, 1-based): chr14:21,415,904, T deleted on the plus strand (A on the coding strand, the reverse complement: CHD8 is on the minus strand). VCF-style (leftmost placement, unchanged base first): chr14-21415903-CT-C. GRCh37 (hg19) VCF-style: chr14-21884062-CT-C.
Other names: c.883del, p.Arg295fs (NM_020920.4); short protein forms R295fs, R574fs.
Identifiers: ClinVar variation 1696513 (VCV001696513.1), dbSNP rs2139499999, ClinGen allele CA2580087822.